The following is an entry in ClinVar:

NM_033056.4(PCDH15):c.5100_5101dup (p.Ser1701fs)

Gene: PCDH15 (protocadherin related 15; minus strand). Cytogenetic location: 10q21.1.
Variant type: Duplication.
Coding change: c.5100_5101dup on transcript NM_033056.4 (MANE Plus Clinical); coding-DNA positions 5100 to 5101, 2 bases duplicated (TT; older notation c.5100_5101dupTT).
Protein change: p.Ser1701fs; shifts the reading frame from serine 1701.
Molecular consequence: frameshift variant. On other transcripts: intron variant (8).
Genome position (GRCh38, 1-based): chr10:53,822,625-53,822,626, AA duplicated on the plus strand (TT on the coding strand, the reverse complement: PCDH15 is on the minus strand); duplicating any 2 consecutive bases within chr10:53,822,625-53,822,627 gives the same sequence; the c. name uses the placement nearest the transcript's 3' end. VCF-style (leftmost placement, unchanged base first): chr10-53822624-G-GAA. GRCh37 (hg19) VCF-style: chr10-55582384-G-GAA.
Other names: c.5121_5122dup, p.Ser1708fs (NM_001142763.2); c.5106_5107dup, p.Ser1703fs (NM_001142764.2); c.4893_4894dup, p.Ser1632fs (NM_001142765.2); c.5091_5092dup, p.Ser1698fs (NM_001142766.2); c.4980_4981dup, p.Ser1661fs (NM_001142767.2); c.5040_5041dup, p.Ser1681fs (NM_001142768.2); c.5031_5032dup, p.Ser1678fs (NM_001142773.2); c.5034_5035dup, p.Ser1679fs (NM_001354404.2); and 7 more; short protein forms S1632fs, S1661fs, S1678fs, S1679fs, S1681fs, S1698fs, S1701fs, S1703fs.
Identifiers: ClinVar variation 1639722 (VCV001639722.9), dbSNP rs918473867, ClinGen allele CA207219698.

ClinVar aggregate classification (germline): Conflicting classifications of pathogenicity. Review status: criteria provided, conflicting classifications (1 of 4 stars). 2 submissions from 2 submitters: Uncertain significance (1); Likely benign (1). Last evaluated 2025-11-12.

Submissions (2):

Labcorp Genetics (formerly Invitae), Labcorp
Classification: Likely benign. Last evaluated: 2025-11-12. Review status: criteria provided, single submitter. Criteria: Invitae Variant Classification Sherloc (09022015). Collection method: clinical testing. Allele origin: germline.

Women's Health and Genetics/Laboratory Corporation of America, LabCorp
Classification: Uncertain significance. Last evaluated: 2022-07-12. Review status: criteria provided, single submitter. Criteria: LabCorp Variant Classification Summary - May 2015. Collection method: clinical testing. Allele origin: germline.
Comment: Variant summary: PCDH15 c.5100_5101dupTT (p.Ser1701PhefsX144) results in a premature termination codon in the last exon of the gene. While not predicted to cause nonsense mediated decay, the variant is predicted to cause a truncation of the encoded protein, which is a commonly known mechanism for disease. The variant was absent in 251310 control chromosomes (gnomAD). The available data on variant occurrences in the general population are insufficient to allow any conclusion about variant significance. To our knowledge, no occurrence of c.5100_5101dupTT in individuals affected with Usher Syndrome Type 1F and no experimental evidence demonstrating its impact on protein function have been reported. One clinical diagnostic laboratory has submitted a clinical-significance assessment for this variant to ClinVar after 2014 without evidence for independent evaluation and classified the variant as likely benign. Based on the evidence outlined above, the variant was classified as uncertain significance.